The following is an entry in ClinVar:

NM_001851.6(COL9A1):c.842G>C (p.Gly281Ala)

Gene: COL9A1 (collagen type IX alpha 1 chain; minus strand). Cytogenetic location: 6q13.
Variant type: single nucleotide variant.
Coding change: c.842G>C on transcript NM_001851.6 (MANE Select); coding-DNA position 842, G replaced by C.
Protein change: p.Gly281Ala; replaces glycine 281 with alanine.
Molecular consequence: missense variant. On other transcripts: non-coding transcript variant (1).
Genome position (GRCh38, 1-based): chr6:70,281,424, C>G on the plus strand (G>C on the coding strand, the complement: COL9A1 is on the minus strand). VCF-style: chr6-70281424-C-G. GRCh37 (hg19) VCF-style: chr6-70991127-C-G.
Other names: c.113G>C, p.Gly38Ala (NM_001377289.1, NM_001377290.1, NM_078485.4); c.842G>C, p.Gly281Ala (NM_001377291.1); short protein forms G281A, G38A.
Identifiers: ClinVar variation 1896485 (VCV001896485.6), dbSNP rs745369282, ClinGen allele CA3882644.

ClinVar aggregate classification (germline): Uncertain significance. Review status: criteria provided, multiple submitters, no conflicts (2 of 4 stars). 2 submissions from 2 submitters: Uncertain significance (2). Last evaluated 2022-08-10.

Allele frequency attached by ClinVar (database versions not stated): gnomAD exomes below 0.00001; TOPMed below 0.00001; ExAC 0.00001.
gnomAD v4.1: 4 of 1,613,566 alleles (0.00025%); highest among the groups gnomAD compares: Non-Finnish European, 0.00034%; no homozygotes.

Submissions (2):

Labcorp Genetics (formerly Invitae), Labcorp
Classification: Uncertain significance. Last evaluated: 2022-08-10. Review status: criteria provided, single submitter. Criteria: Invitae Variant Classification Sherloc (09022015). Collection method: clinical testing. Allele origin: germline.
Comment: In summary, the available evidence is currently insufficient to determine the role of this variant in disease. Therefore, it has been classified as a Variant of Uncertain Significance. Advanced modeling of protein sequence and biophysical properties (such as structural, functional, and spatial information, amino acid conservation, physicochemical variation, residue mobility, and thermodynamic stability) performed at Invitae indicates that this missense variant is expected to disrupt COL9A1 protein function. This variant has not been reported in the literature in individuals affected with COL9A1-related conditions. This variant is present in population databases (rs745369282, gnomAD 0.0009%). This sequence change replaces glycine, which is neutral and non-polar, with alanine, which is neutral and non-polar, at codon 281 of the COL9A1 protein (p.Gly281Ala).

Blueprint Genetics
Classification: Uncertain significance. Last evaluated: 2020-11-25. Review status: criteria provided, single submitter. Criteria: ACMG Guidelines, 2015. Collection method: clinical testing. Allele origin: germline.